The following is an entry in ClinVar:

NM_001394062.1(MACF1):c.11324C>T (p.Ser3775Leu)

Gene: MACF1 (microtubule actin crosslinking factor 1; plus strand). Cytogenetic location: 1p34.3.
Variant type: single nucleotide variant.
Coding change: c.11324C>T on transcript NM_001394062.1 (MANE Select); coding-DNA position 11324, C replaced by T.
Protein change: p.Ser3775Leu; replaces serine 3775 with leucine.
Molecular consequence: missense variant.
Genome position (GRCh38, 1-based): chr1:39,353,131, C>T. VCF-style: chr1-39353131-C-T. GRCh37 (hg19) VCF-style: chr1-39818803-C-T.
Other names: c.5138C>T (NM_012090.4); c.5138C>T, p.Ser1713Leu (NM_012090.5); short protein forms S3775L, S1713L.
Identifiers: ClinVar variation 2143259 (VCV002143259.27), dbSNP rs768115646, ClinGen allele CA781569.
Genomic context (GRCh38, chr1:39,353,131, plus strand): 5'-CTTCAGTAGGATCATCTGGTGGACAGCTGCTGACCAACCTTCCAGGAATGGAGCAGCTCT[C>T]GGGAGCTAGCTTGGAGAAAGGAGCCTTGGACACCACTGATGGTTACATGGGGGTGAATCA-3'
Protein context (NP_001380991.1, residues 3765-3785): LTNLPGMEQL[Ser3775Leu]GASLEKGALD

ClinVar aggregate classification (germline): Benign/Likely benign. Review status: criteria provided, multiple submitters, no conflicts (2 of 4 stars). 3 submissions from 3 submitters: Benign (1); Likely benign (2). Last evaluated 2024-11-15.

Conditions:
Inborn genetic diseases. Identifiers: MedGen C0950123, MeSH D030342.

Allele frequency attached by ClinVar (database versions not stated): ExAC 0.00001; gnomAD exomes 0.00001; TOPMed 0.00001; gnomAD 0.00003.
gnomAD v4.1: 15 of 1,614,092 alleles (0.00093%); highest among the groups gnomAD compares: African/African-American, 0.004%; no homozygotes.

Submissions (3):

Ambry Genetics
Classification: Likely benign for Inborn genetic diseases. Last evaluated: 2024-11-15. Review status: criteria provided, single submitter. Criteria: Ambry Variant Classification Scheme 2023. Collection method: clinical testing. Allele origin: germline.

CeGaT Center for Human Genetics Tuebingen
Classification: Likely benign. Last evaluated: 2024-02-01. Review status: criteria provided, single submitter. Criteria: CeGaT Center For Human Genetics Tuebingen Variant Classification Criteria Version 2. Collection method: clinical testing. Allele origin: germline. Affected: yes. Observed: 1 variant allele.
Comment: MACF1: BS2

Labcorp Genetics (formerly Invitae), Labcorp
Classification: Benign. Last evaluated: 2023-08-10. Review status: criteria provided, single submitter. Criteria: Invitae Variant Classification Sherloc (09022015). Collection method: clinical testing. Allele origin: germline.